The following is an entry in ClinVar:

NM_007078.3(LDB3):c.701T>C (p.Ile234Thr)

Gene: LDB3 (LIM domain binding 3; plus strand). Cytogenetic location: 10q23.2.
Variant type: single nucleotide variant.
Coding change: c.701T>C on transcript NM_007078.3 (MANE Select); coding-DNA position 701, T replaced by C.
Protein change: p.Ile234Thr; replaces isoleucine 234 with threonine.
Molecular consequence: missense variant.
Genome position (GRCh38, 1-based): chr10:86,691,907, T>C. VCF-style: chr10-86691907-T-C. GRCh37 (hg19) VCF-style: chr10-88451664-T-C.
Other names: c.560T>C, p.Ile187Thr (NM_001080114.2, NM_001080116.1, NM_001368066.1 and 2 more transcripts); c.701T>C, p.Ile234Thr (NM_001080115.2, NM_001368063.1, NM_001368064.1 and 1 more transcripts); c.905T>C, p.Ile302Thr (NM_001171610.2, NM_001171611.2); short protein forms I187T, I302T, I234T.
Identifiers: ClinVar variation 2705751 (VCV002705751.3), dbSNP rs749041369, ClinGen allele CA377442810.

ClinVar aggregate classification (germline): Uncertain significance (1 of 4 stars; one submission).

Conditions:
Myofibrillar myopathy 4. Also called: Zaspopathy (type). Identifiers: Orphanet 98912, MedGen C4721886, MONDO:0012277, OMIM 609452.

Submission:

Labcorp Genetics (formerly Invitae), Labcorp
Classification: Uncertain significance for Myofibrillar myopathy 4. Last evaluated: 2023-12-27. Review status: criteria provided, single submitter. Criteria: Invitae Variant Classification Sherloc (09022015). Collection method: clinical testing. Allele origin: germline.
Comment: This sequence change replaces isoleucine, which is neutral and non-polar, with threonine, which is neutral and polar, at codon 187 of the LDB3 protein (p.Ile187Thr). This variant is not present in population databases (gnomAD no frequency). This variant has not been reported in the literature in individuals affected with LDB3-related conditions. An algorithm developed to predict the effect of missense changes on protein structure and function (PolyPhen-2) suggests that this variant is likely to be tolerated. In summary, the available evidence is currently insufficient to determine the role of this variant in disease. Therefore, it has been classified as a Variant of Uncertain Significance.